The following is an entry in ClinVar:

ClinVar aggregate classification (germline): Likely benign (1 of 4 stars; one submission).

Allele frequency attached by ClinVar (database versions not stated): gnomAD exomes below 0.00001.
gnomAD v4.1: 1 of 1,392,612 alleles (0.000072%); highest among the groups gnomAD compares: South Asian, 0.0011%; no homozygotes.

Submission:

CeGaT Center for Human Genetics Tuebingen
Classification: Likely benign. Last evaluated: 2024-11-01. Review status: criteria provided, single submitter. Criteria: CeGaT Center For Human Genetics Tuebingen Variant Classification Criteria Version 2. Collection method: clinical testing. Allele origin: germline. Affected: yes. Observed: 3 variant alleles.
Comment: PNPLA2: BP4, BP7

NM_020376.4(PNPLA2):c.834A>C (p.Ala278=)

Gene: PNPLA2 (patatin like domain 2, triacylglycerol lipase; plus strand). Cytogenetic location: 11p15.5.
Variant type: single nucleotide variant.
Coding change: c.834A>C on transcript NM_020376.4 (MANE Select); coding-DNA position 834, A replaced by C.
Protein change: p.Ala278=; no amino-acid change (alanine 278 retained).
Molecular consequence: synonymous variant.
Genome position (GRCh38, 1-based): chr11:823,770, A>C. VCF-style: chr11-823770-A-C. GRCh37 (hg19) VCF-style: chr11-823770-A-C.
Identifiers: ClinVar variation 2641097 (VCV002641097.24), dbSNP rs1372635914, ClinGen allele CA472441419.